The following is an entry in ClinVar:

ClinVar aggregate classification (germline): Uncertain significance. Review status: criteria provided, multiple submitters, no conflicts (2 of 4 stars). 2 submissions from 2 submitters: Uncertain significance (2). Last evaluated 2022-03-09.

gnomAD v4.1: 14 of 1,614,086 alleles (0.00087%); highest among the groups gnomAD compares: South Asian, 0.014%; no homozygotes.

Submissions (2):

Labcorp Genetics (formerly Invitae), Labcorp
Classification: Uncertain significance. Last evaluated: 2022-03-09. Review status: criteria provided, single submitter. Criteria: Invitae Variant Classification Sherloc (09022015). Collection method: clinical testing. Allele origin: germline.
Comment: In summary, the available evidence is currently insufficient to determine the role of this variant in disease. Therefore, it has been classified as a Variant of Uncertain Significance. Algorithms developed to predict the effect of missense changes on protein structure and function output the following: SIFT: "Not Available"; PolyPhen-2: "Benign"; Align-GVGD: "Not Available". The leucine amino acid residue is found in multiple mammalian species, which suggests that this missense change does not adversely affect protein function. This sequence change replaces valine, which is neutral and non-polar, with leucine, which is neutral and non-polar, at codon 881 of the ADAMTS18 protein (p.Val881Leu). This variant is present in population databases (rs147244223, gnomAD 0.02%). This variant has not been reported in the literature in individuals affected with ADAMTS18-related conditions.

Blueprint Genetics
Classification: Uncertain significance. Last evaluated: 2020-09-16. Review status: criteria provided, single submitter. Criteria: ACMG Guidelines, 2015. Collection method: clinical testing. Allele origin: germline.

NM_199355.4(ADAMTS18):c.2641G>C (p.Val881Leu)

Gene: ADAMTS18 (ADAM metallopeptidase with thrombospondin type 1 motif 18; minus strand). Cytogenetic location: 16q23.1.
Variant type: single nucleotide variant.
Coding change: c.2641G>C on transcript NM_199355.4 (MANE Select); coding-DNA position 2641, G replaced by C.
Protein change: p.Val881Leu; replaces valine 881 with leucine.
Molecular consequence: missense variant.
Genome position (GRCh38, 1-based): chr16:77,300,296, C>G on the plus strand (G>C on the coding strand, the complement: ADAMTS18 is on the minus strand). VCF-style: chr16-77300296-C-G. GRCh37 (hg19) VCF-style: chr16-77334193-C-G.
Other names: c.2125G>C, p.Val709Leu (NM_001326358.2); short protein forms V881L, V709L.
Identifiers: ClinVar variation 1408999 (VCV001408999.7), dbSNP rs147244223, ClinGen allele CA8180807.